The following is an entry in ClinVar:

NM_133433.4(NIPBL):c.358+1G>A

Gene: NIPBL (NIPBL cohesin loading factor; plus strand). Cytogenetic location: 5p13.2.
Variant type: single nucleotide variant.
Coding change: c.358+1G>A on transcript NM_133433.4 (MANE Select); the canonical splice donor site of the intron after coding-DNA position 358, G replaced by A.
Molecular consequence: splice donor variant.
Genome position (GRCh38, 1-based): chr5:36,958,232, G>A. VCF-style: chr5-36958232-G-A. GRCh37 (hg19) VCF-style: chr5-36958334-G-A.
Other names: c.358+1G>A (NM_001438586.1, NM_015384.5).
Identifiers: ClinVar variation 4747430 (VCV004747430.1).

ClinVar aggregate classification (germline): Pathogenic (1 of 4 stars; one submission).

Conditions:
Cornelia de Lange syndrome 1 (CDLS1). Also called: Brachmann de Lange syndrome; NIPBL-Related Cornelia de Lange Syndrome; TYPUS DEGENERATIVUS AMSTELODAMENSIS. Identifiers: Orphanet 199, MedGen C4551851, MONDO:0007387, OMIM 122470.

Submission:

Labcorp Genetics (formerly Invitae), Labcorp
Classification: Pathogenic for Cornelia de Lange syndrome 1. Last evaluated: 2025-10-07. Review status: criteria provided, single submitter. Criteria: Invitae Variant Classification Sherloc (09022015). Collection method: clinical testing. Allele origin: germline.
Comment: This sequence change affects a donor splice site in intron 4 of the NIPBL gene. It is expected to disrupt RNA splicing. Variants that disrupt the donor or acceptor splice site typically lead to a loss of protein function (PMID: 16199547), and loss-of-function variants in NIPBL are known to be pathogenic (PMID: 15318302, 19763162, 23505322, 29995837). This variant is not present in population databases (gnomAD no frequency). Disruption of this splice site has been observed in individuals with Cornelia de Lange syndrome (PMID: 24918291; internal data). Algorithms developed to predict the effect of sequence changes on RNA splicing suggest that this variant may disrupt the consensus splice site. For these reasons, this variant has been classified as Pathogenic.

Literature cited by the submitters: PubMed 16199547; PubMed 15318302; PubMed 19763162; PubMed 23505322; PubMed 29995837; PubMed 24918291.